The following is an entry in ClinVar:

ClinVar aggregate classification (germline): Likely benign. Review status: criteria provided, multiple submitters, no conflicts (2 of 4 stars). 2 submissions from 2 submitters: Likely benign (2). Last evaluated 2025-11-01.

Submissions (2):

CeGaT Center for Human Genetics Tuebingen
Classification: Likely benign. Last evaluated: 2025-11-01. Review status: criteria provided, single submitter. Criteria: CeGaT Center For Human Genetics Tuebingen Variant Classification Criteria Version 2. Collection method: clinical testing. Allele origin: germline. Affected: yes. Observed: 1 variant allele.
Comment: COL6A2: BP4, BP7

Blueprint Genetics
Classification: Likely benign. Last evaluated: 2023-11-17. Review status: criteria provided, single submitter. Criteria: ACMG Guidelines, 2015. Collection method: clinical testing. Allele origin: germline.

NM_001849.4(COL6A2):c.621G>A (p.Thr207=)

Gene: COL6A2 (collagen type VI alpha 2 chain; plus strand). Cytogenetic location: 21q22.3.
Variant type: single nucleotide variant.
Coding change: c.621G>A on transcript NM_001849.4 (MANE Select); coding-DNA position 621, G replaced by A.
Protein change: p.Thr207=; no amino-acid change (threonine 207 retained).
Molecular consequence: synonymous variant.
Genome position (GRCh38, 1-based): chr21:46,112,484, G>A. VCF-style: chr21-46112484-G-A. GRCh37 (hg19) VCF-style: chr21-47532398-G-A.
Other names: c.621G>A, p.Thr207= (NM_058174.3, NM_058175.3).
Identifiers: ClinVar variation 4533563 (VCV004533563.7).